The following is an entry in ClinVar:

ClinVar aggregate classification (germline): Conflicting classifications of pathogenicity. Review status: criteria provided, conflicting classifications (1 of 4 stars). 4 submissions from 4 submitters: Uncertain significance (2); Likely benign (2). Last evaluated 2026-01-04.

Conditions:
Inborn genetic diseases. Identifiers: MedGen C0950123, MeSH D030342.
Autosomal recessive congenital ichthyosis 4A (LI2). Also called: ICHTHYOSIS CONGENITA IIB. Identifiers: Orphanet 313, MedGen C1832550, MONDO:0011026, OMIM 601277.

Allele frequency attached by ClinVar (database versions not stated): TOPMed 0.00001; gnomAD 0.00007; gnomAD exomes 0.00010; ExAC 0.00021; 1000 Genomes Project 30x 0.00047; 1000 Genomes Project 0.00060.
gnomAD v4.1: 155 of 1,613,878 alleles (0.0096%); highest among the groups gnomAD compares: South Asian, 0.16%; 1 homozygote.

Submissions (4):

Labcorp Genetics (formerly Invitae), Labcorp
Classification: Likely benign. Last evaluated: 2026-01-04. Review status: criteria provided, single submitter. Criteria: Invitae Variant Classification Sherloc (09022015). Collection method: clinical testing. Allele origin: germline.

Ambry Genetics
Classification: Likely benign for Inborn genetic diseases. Last evaluated: 2025-07-15. Review status: criteria provided, single submitter. Criteria: Ambry Variant Classification Scheme 2023. Collection method: clinical testing. Allele origin: germline.

Blueprint Genetics
Classification: Uncertain significance. Last evaluated: 2023-08-08. Review status: criteria provided, single submitter. Criteria: ACMG Guidelines, 2015. Collection method: clinical testing. Allele origin: germline.

Neuberg Centre For Genomic Medicine, NCGM
Classification: Uncertain significance for Autosomal recessive congenital ichthyosis 4A. Review status: criteria provided, single submitter. Criteria: ACMG Guidelines, 2015. Collection method: clinical testing. Allele origin: germline. Inheritance: Autosomal recessive inheritance. Affected: yes.
Comment: The missense variant c.5927A>T p.Gln1976Leu in the ABCA12 gene has not been reported previously as a pathogenic variant nor as a benign variant, to our knowledge. This variant is reported with the allele frequency 0.01% in the gnomAD Exomes and novel not in any individuals in 1000 Genomes. The amino acid Glutamine at position 1976 is changed to a Leucine changing protein sequence and it might alter its composition and physico-chemical properties. The variant is predicted as damaging by SIFT. The amino acid change p.Gln1976Leu in ABCA12 is predicted as conserved by GERP++ and PhyloP across 100 vertebrates. For these reasons, this variant has been classified as Uncertain Significance.

NM_173076.3(ABCA12):c.5927A>T (p.Gln1976Leu)

Genes: ABCA12 (ATP binding cassette subfamily A member 12; minus strand), SNHG31 (small nucleolar RNA host gene 31; plus strand). Cytogenetic location: 2q35.
Variant type: single nucleotide variant.
Coding change: c.5927A>T on transcript NM_173076.3 (MANE Select); coding-DNA position 5927, A replaced by T.
Protein change: p.Gln1976Leu; replaces glutamine 1976 with leucine.
Molecular consequence: missense variant. On other transcripts: non-coding transcript variant (1).
Genome position (GRCh38, 1-based): chr2:214,959,036, T>A on the plus strand (A>T on the coding strand, the complement: ABCA12 is on the minus strand). VCF-style: chr2-214959036-T-A. GRCh37 (hg19) VCF-style: chr2-215823760-T-A.
Other names: c.4973A>T, p.Gln1658Leu (NM_015657.4); c.5927A>T (NM_173076.2); short protein forms Q1976L, Q1658L.
Identifiers: ClinVar variation 2962494 (VCV002962494.7), dbSNP rs558563793, ClinGen allele CA2091063.
Genomic context (GRCh38, chr2:214,959,036, plus strand): 5'-CTCAGCTATGTCAAGGAGAAAGTAGTCATGCTAGAGATATCTGCTTACGTGGCTTGTTCT[T>A]GGTCTTGCACTCCTGGATAAGGATGGCTATACATGATGATGCCTTAAAGACGAAACAGTT-3'
Protein context (NP_775099.2, residues 1966-1986): YSHPYPGVQD[Gln1976Leu]EQATISSLID